The following is an entry in ClinVar:

GRCh38/hg38 19q13.43(chr19:56363208-58581203)x3

Genes: A1BG (alpha-1-B glycoprotein; minus strand), A1BG-AS1 (A1BG antisense RNA 1; plus strand), AURKC (aurora kinase C; plus strand), C19orf18 (chromosome 19 open reading frame 18; minus strand), CHMP2A (charged multivesicular body protein 2A; minus strand) and 212 more. Cytogenetic location: 19q13.43.
Variant type: copy number gain.
Change: copy number 3 (three copies instead of two) of chr19:56,363,208-58,581,203 (2.22 Mb, GRCh38 coordinates, 1-based), cytogenetic band 19q13.43.
Identifiers: ClinVar variation 59128 (VCV000059128.1).

ClinVar aggregate classification (germline): Pathogenic (1 of 4 stars; one submission).

Submission:

ISCA site 17
Classification: Pathogenic. Last evaluated: 2011-08-12. Review status: criteria provided, single submitter. Criteria: Kaminsky et al. (Genet Med. 2011). Collection method: clinical testing. Allele origin: unknown. Affected: yes. Observed: 1 variant allele.
Comment: Copy number variation identified through the course of routine clinical cytogenomic testing in postnatal populations. Clinical assertions have been curated as described in Kaminsky et al. 2011.